The following is an entry in ClinVar:

NM_032806.6(POMGNT2):c.39G>A (p.Ser13=)

Gene: POMGNT2 (protein O-linked mannose N-acetylglucosaminyltransferase 2 (beta 1,4-); minus strand). Cytogenetic location: 3p22.1.
Variant type: single nucleotide variant.
Coding change: c.39G>A on transcript NM_032806.6 (MANE Select); coding-DNA position 39, G replaced by A.
Protein change: p.Ser13=; no amino-acid change (serine 13 retained).
Molecular consequence: synonymous variant.
Genome position (GRCh38, 1-based): chr3:43,081,393, C>T on the plus strand (G>A on the coding strand, the complement: POMGNT2 is on the minus strand). VCF-style: chr3-43081393-C-T. GRCh37 (hg19) VCF-style: chr3-43122885-C-T.
Identifiers: ClinVar variation 1045774 (VCV001045774.12), dbSNP rs59831271, ClinGen allele CA2340171.

ClinVar aggregate classification (germline): Likely benign. Review status: criteria provided, multiple submitters, no conflicts (2 of 4 stars). 2 submissions from 2 submitters: Likely benign (2). Last evaluated 2025-07-16.

Conditions:
Muscular dystrophy-dystroglycanopathy (congenital with brain and eye anomalies), type a, 8 (MDDGA8). Also called: WALKER-WARBURG SYNDROME OR MUSCLE-EYE-BRAIN DISEASE, GTDC2-RELATED. Identifiers: Orphanet 899, MedGen C3553813, MONDO:0013904, OMIM 614830.

Allele frequency attached by ClinVar (database versions not stated): TOPMed 0.00001.
gnomAD v4.1: 38 of 1,599,824 alleles (0.0024%); highest among the groups gnomAD compares: South Asian, 0.015%; no homozygotes.

Submissions (2):

Labcorp Genetics (formerly Invitae), Labcorp
Classification: Likely benign for Muscular dystrophy-dystroglycanopathy (congenital with brain and eye anomalies), type a, 8. Last evaluated: 2025-07-16. Review status: criteria provided, single submitter. Criteria: Invitae Variant Classification Sherloc (09022015). Collection method: clinical testing. Allele origin: germline.

CeGaT Center for Human Genetics Tuebingen
Classification: Likely benign. Last evaluated: 2025-03-01. Review status: criteria provided, single submitter. Criteria: CeGaT Center For Human Genetics Tuebingen Variant Classification Criteria Version 2. Collection method: clinical testing. Allele origin: germline. Affected: yes. Observed: 1 variant allele.
Comment: POMGNT2: BP4, BP7